The following is an entry in ClinVar:

ClinVar aggregate classification (germline): Likely pathogenic (1 of 4 stars; one submission).

Conditions:
Retinitis pigmentosa 77 (RP77). Identifiers: MedGen C4310626, MONDO:0015013, OMIM 617304.

gnomAD v4.1: 1 of 1,614,108 alleles (0.000062%); highest among the groups gnomAD compares: African/African-American, 0.0013%; no homozygotes.

Submission:

Molecular Genetics and NGS Laboratory, Hospital Fundacion Valle Del Lili
Classification: Likely pathogenic for Retinitis pigmentosa 77. Last evaluated: 2024-08-13. Review status: criteria provided, single submitter. Criteria: ACMG Guidelines, 2015. Collection method: clinical testing. Allele origin: germline. Affected: yes. Observed: 1 variant allele.
Comment: This variant (nonsense) in gene REEP6, predicted to cause Nonsense-Mediated Decay (NMD). Loss-of-function is a known mechanism of disease. The truncated region contains 15 pathogenic variants (PVS1).Variant not found in gnomAD genomes, GnomAD exomes homozygous allele count = 0 is less than 2 for AR gene REEP6 (PM2).

NM_138393.4(REEP6):c.276C>A (p.Tyr92Ter)

Gene: REEP6 (receptor accessory protein 6; plus strand). Cytogenetic location: 19p13.3.
Variant type: single nucleotide variant.
Coding change: c.276C>A on transcript NM_138393.4 (MANE Select); coding-DNA position 276, C replaced by A.
Protein change: p.Tyr92Ter; replaces tyrosine 92 with a stop codon.
Molecular consequence: nonsense.
Genome position (GRCh38, 1-based): chr19:1,495,535, C>A. VCF-style: chr19-1495535-C-A. GRCh37 (hg19) VCF-style: chr19-1495534-C-A.
Other names: p.Tyr92Ter; c.276C>A, p.Tyr92Ter (NM_001329556.3); short protein forms Y92*.
Identifiers: ClinVar variation 3338286 (VCV003338286.2).